The following is an entry in ClinVar:

NM_000051.4(ATM):c.1608T>A (p.Cys536Ter)

Gene: ATM (ATM serine/threonine kinase; plus strand). Cytogenetic location: 11q22.3.
Variant type: single nucleotide variant.
Coding change: c.1608T>A on transcript NM_000051.4 (MANE Select); coding-DNA position 1608, T replaced by A.
Protein change: p.Cys536Ter; replaces cysteine 536 with a stop codon.
Molecular consequence: nonsense.
Genome position (GRCh38, 1-based): chr11:108,251,837, T>A. VCF-style: chr11-108251837-T-A. GRCh37 (hg19) VCF-style: chr11-108122564-T-A.
Other names: c.1608T>A, p.Cys536Ter (NM_001351834.2); short protein forms C536*.
Identifiers: ClinVar variation 2017441 (VCV002017441.4), dbSNP rs2080162888, ClinGen allele CA382534468.

ClinVar aggregate classification (germline): Pathogenic (1 of 4 stars; one submission).

Conditions:
Ataxia-telangiectasia syndrome (AT). Also called: Cerebello-oculocutaneous telangiectasia; Immunodeficiency with ataxia telangiectasia; Ataxia telangiectasia (A-T); LOUIS-BAR SYNDROME; Ataxia-telangiectasia, complementation group D; AT, COMPLEMENTATION GROUP C. Identifiers: Orphanet 100, MedGen C0004135, MONDO:0008840, OMIM 208900.

Submission:

Labcorp Genetics (formerly Invitae), Labcorp
Classification: Pathogenic for Ataxia-telangiectasia syndrome. Last evaluated: 2022-07-15. Review status: criteria provided, single submitter. Criteria: Invitae Variant Classification Sherloc (09022015). Collection method: clinical testing. Allele origin: germline.
Comment: This sequence change creates a premature translational stop signal (p.Cys536*) in the ATM gene. It is expected to result in an absent or disrupted protein product. Loss-of-function variants in ATM are known to be pathogenic (PMID: 23807571, 25614872). This variant is not present in population databases (gnomAD no frequency). This variant has not been reported in the literature in individuals affected with ATM-related conditions. Algorithms developed to predict the effect of sequence changes on RNA splicing suggest that this variant may create or strengthen a splice site. For these reasons, this variant has been classified as Pathogenic.

Literature cited by the submitters: PubMed 23807571; PubMed 25614872.